The following is an entry in ClinVar:

ClinVar aggregate classification (germline): Benign/Likely benign. Review status: criteria provided, multiple submitters, no conflicts (2 of 4 stars). 2 submissions from 2 submitters: Benign (1); Likely benign (1). Last evaluated 2026-09-01.

Allele frequency attached by ClinVar (database versions not stated): TOPMed 0.00006; gnomAD 0.00017; ExAC 0.00097; 1000 Genomes Project 30x 0.00109; 1000 Genomes Project 0.00120.
gnomAD v4.1: 523 of 1,610,724 alleles (0.032%); highest among the groups gnomAD compares: South Asian, 0.36%; 13 homozygotes.

Submissions (2):

CeGaT Center for Human Genetics Tuebingen
Classification: Benign. Last evaluated: 2026-09-01. Review status: criteria provided, single submitter. Criteria: CeGaT Center For Human Genetics Tuebingen Variant Classification Criteria Version 2. Collection method: clinical testing. Allele origin: germline. Affected: yes. Observed: 15 variant alleles.
Comment: NBEA: BP4, BP7, BS1, BS2

Blueprint Genetics
Classification: Likely benign. Last evaluated: 2024-11-25. Review status: criteria provided, single submitter. Criteria: ACMG Guidelines, 2015. Collection method: clinical testing. Allele origin: germline.

NM_001385012.1(NBEA):c.4212C>T (p.Leu1404=)

Gene: NBEA (neurobeachin; plus strand). Cytogenetic location: 13q13.3.
Variant type: single nucleotide variant.
Coding change: c.4212C>T on transcript NM_001385012.1 (MANE Select); coding-DNA position 4212, C replaced by T.
Protein change: p.Leu1404=; no amino-acid change (leucine 1404 retained).
Molecular consequence: synonymous variant.
Genome position (GRCh38, 1-based): chr13:35,164,488, C>T. VCF-style: chr13-35164488-C-T. GRCh37 (hg19) VCF-style: chr13-35738625-C-T.
Other names: c.4212C>T, p.Leu1404= (NM_001379245.1, NM_015678.5).
Identifiers: ClinVar variation 2498579 (VCV002498579.29), dbSNP rs571479766, ClinGen allele CA6946763.
Genomic context (GRCh38, chr13:35,164,488, plus strand): 5'-CCTCATTTCCCAAATGGTAGACAACATCATCATTGCTTGTGGAGGAATTTTACCTTTGCT[C>T]TCTGCTGCTACATCACCAACTGTAAGTACTTTGCCTCCATCTAGTGGTTATATTTTATAA-3'
Protein context (NP_001371941.1, residues 1394-1414): IIACGGILPL[Leu1404=]SAATSPTGSK